The following is an entry in ClinVar:

ClinVar aggregate classification (germline): Uncertain significance. Review status: criteria provided, multiple submitters, no conflicts (2 of 4 stars). 3 submissions from 3 submitters: Uncertain significance (3). Last evaluated 2025-06-04.

Conditions:
Cardiovascular phenotype. Identifiers: MedGen CN230736.
Distal myopathy with posterior leg and anterior hand involvement. Also called: WILLIAMS DISTAL MYOPATHY. Identifiers: Orphanet 63273, MedGen C3279722, MONDO:0013550, OMIM 614065.
Dilated Cardiomyopathy, Dominant.
Myofibrillar myopathy 5. Also called: Filaminopathy (type); FILAMINOPATHY, AUTOSOMAL DOMINANT. Identifiers: Orphanet 171445, MedGen C1836050, MONDO:0012289, OMIM 609524.
Hypertrophic cardiomyopathy 26. Also called: Cardiomyopathy, familial hypertrophic, 26. Identifiers: Orphanet 75249, MedGen C4310749, MONDO:0014883, OMIM 617047.

Submissions (3):

ARUP Laboratories, Molecular Genetics and Genomics, ARUP Laboratories
Classification: Uncertain significance. Last evaluated: 2025-06-04. Review status: criteria provided, single submitter. Criteria: ARUP Molecular Germline Variant Investigation Process 2024. Collection method: clinical testing. Allele origin: germline.
Comment: The FLNC c.1848C>G; p.Ile616Met variant (rs770173704), to our knowledge, is not reported in the medical literature but is reported in ClinVar (Variation ID: 471989). This variant is absent from the Genome Aggregation Database (v2.1.1), indicating it is not a common polymorphism. Computational analyses are uncertain whether this variant is neutral or deleterious (REVEL: 0.552). Due to limited information, the clinical significance of this variant is uncertain at this time.

Ambry Genetics
Classification: Uncertain significance for Cardiovascular phenotype. Last evaluated: 2024-05-19. Review status: criteria provided, single submitter. Criteria: Ambry Variant Classification Scheme 2023. Collection method: clinical testing. Allele origin: germline.
Comment: The p.I616M variant (also known as c.1848C>G), located in coding exon 12 of the FLNC gene, results from a C to G substitution at nucleotide position 1848. The isoleucine at codon 616 is replaced by methionine, an amino acid with highly similar properties. This amino acid position is conserved. In addition, the in silico prediction for this alteration is inconclusive. Based on the available evidence, the clinical significance of this variant remains unclear.

Labcorp Genetics (formerly Invitae), Labcorp
Classification: Uncertain significance for Distal myopathy with posterior leg and anterior hand involvement; Myofibrillar myopathy 5; Hypertrophic cardiomyopathy 26. Last evaluated: 2021-10-03. Review status: criteria provided, single submitter. Criteria: Invitae Variant Classification Sherloc (09022015). Collection method: clinical testing. Allele origin: germline.
Comment: This sequence change replaces isoleucine with methionine at codon 616 of the FLNC protein (p.Ile616Met). The isoleucine residue is highly conserved and there is a small physicochemical difference between isoleucine and methionine. This variant is not present in population databases (ExAC no frequency). This missense change has been observed in individual(s) with clinical features of FLNC-related conditions (Invitae). ClinVar contains an entry for this variant (Variation ID: 471989). Algorithms developed to predict the effect of missense changes on protein structure and function are either unavailable or do not agree on the potential impact of this missense change (SIFT: "Deleterious"; PolyPhen-2: "Probably Damaging"; Align-GVGD: "Class C0"). In summary, the available evidence is currently insufficient to determine the role of this variant in disease. Therefore, it has been classified as a Variant of Uncertain Significance.

NM_001458.5(FLNC):c.1848C>G (p.Ile616Met)

Gene: FLNC (filamin C; plus strand). Cytogenetic location: 7q32.1.
Variant type: single nucleotide variant.
Coding change: c.1848C>G on transcript NM_001458.5 (MANE Select); coding-DNA position 1848, C replaced by G.
Protein change: p.Ile616Met; replaces isoleucine 616 with methionine.
Molecular consequence: missense variant.
Genome position (GRCh38, 1-based): chr7:128,841,204, C>G. VCF-style: chr7-128841204-C-G. GRCh37 (hg19) VCF-style: chr7-128481258-C-G.
Other names: c.1848C>G, p.Ile616Met (NM_001127487.2); short protein forms I616M.
Identifiers: ClinVar variation 471989 (VCV000471989.6), dbSNP rs770173704, ClinGen allele CA369227203.